The following is an entry in ClinVar:

ClinVar aggregate classification (germline): Uncertain significance. Review status: criteria provided, multiple submitters, no conflicts (2 of 4 stars). 7 submissions from 7 submitters: Uncertain significance (7). Last evaluated 2024-09-10.

Allele frequency attached by ClinVar (database versions not stated): gnomAD 0.00009 and 0.00010; TOPMed 0.00016; ESP Exome Variant Server 0.00023.
gnomAD v4.1: 44 of 1,612,834 alleles (0.0027%); highest among the groups gnomAD compares: African/African-American, 0.027%; no homozygotes.

Submissions (7):

GeneDx
Classification: Uncertain significance. Last evaluated: 2024-09-10. Review status: criteria provided, single submitter. Criteria: GeneDx Variant Classification Process June 2021. Collection method: clinical testing. Allele origin: germline. Affected: yes.
Comment: Observed in a patient with hearing loss in published literature; however, clinical information provided on this individual was limited (Cesca (2017). Hereditary Hearing Loss: From Molecular Bases To Phenotypic Caractherization. Available from an online resource); Nonsense variant predicted to result in protein truncation as the last 17 amino acids are lost

Revvity Omics, Revvity
Classification: Uncertain significance. Last evaluated: 2024-02-09. Review status: criteria provided, single submitter. Criteria: ACMG Guidelines, 2015. Collection method: clinical testing. Allele origin: germline.

Blueprint Genetics
Classification: Uncertain significance. Last evaluated: 2024-02-06. Review status: criteria provided, single submitter. Criteria: ACMG Guidelines, 2015. Collection method: clinical testing. Allele origin: germline.

Labcorp Genetics (formerly Invitae), Labcorp
Classification: Uncertain significance. Last evaluated: 2021-08-12. Review status: criteria provided, single submitter. Criteria: Invitae Variant Classification Sherloc (09022015). Collection method: clinical testing. Allele origin: germline.
Comment: This sequence change creates a premature translational stop signal (p.Arg744*) in the TMC1 gene. While this is not anticipated to result in nonsense mediated decay, it is expected to disrupt the last 17 amino acid(s) of the TMC1 protein. This variant is present in population databases (rs150738413, ExAC 0.03%). This variant has not been reported in the literature in individuals affected with TMC1-related conditions. ClinVar contains an entry for this variant (Variation ID: 178546). Experimental studies and prediction algorithms are not available or were not evaluated, and the functional significance of this variant is currently unknown. In summary, the available evidence is currently insufficient to determine the role of this variant in disease. Therefore, it has been classified as a Variant of Uncertain Significance.

Mayo Clinic Laboratories, Mayo Clinic
Classification: Uncertain significance. Last evaluated: 2021-07-27. Review status: criteria provided, single submitter. Criteria: ACMG Guidelines, 2015. Collection method: clinical testing. Allele origin: germline. Observed: 1 variant allele.
Comment: PM2_supporting, PVS1_moderate

ARUP Laboratories, Molecular Genetics and Genomics, ARUP Laboratories
Classification: Uncertain significance. Last evaluated: 2016-12-12. Review status: criteria provided, single submitter. Criteria: ARUP Molecular Germline Variant Investigation Process. Collection method: clinical testing. Allele origin: germline.

Laboratory for Molecular Medicine, Mass General Brigham Personalized Medicine
Classification: Uncertain significance. Last evaluated: 2013-05-31. Review status: criteria provided, single submitter. Criteria: LMM Criteria. Collection method: clinical testing. Allele origin: germline. Observed: 1 variant allele.
Comment: Variant classified as Uncertain Significance - Favor Pathogenic. The Arg744X var iant in TMC1 has not been reported in individuals with hearing loss, but has bee n identified in 0.07% (3/4406) of African American chromosomes from a broad popu lation by the NHLBI Exome Sequencing Project (s150738413). Although this variant has been seen in the general population, its frequency is not high enough to rule out a pathogenic role. This nonsense varian t leads to a premature termination codon at position 744, which occurs 17 residu es upstream of the normal termination codon, and is predicted to lead to a trunc ated protein. However, due to its presence in the penultimate exon of TMC1 affec ting only the last 17 residues in the C-terminus of the protein, the impact of t his variant on the normal function of the protein is not clear. In summary, addi tional information is needed to determine the clinical significance of this vari ant.

NM_138691.3(TMC1):c.2230C>T (p.Arg744Ter)

Gene: TMC1 (transmembrane channel like 1; plus strand). Cytogenetic location: 9q21.13.
Variant type: single nucleotide variant.
Coding change: c.2230C>T on transcript NM_138691.3 (MANE Select); coding-DNA position 2230, C replaced by T.
Protein change: p.Arg744Ter; replaces arginine 744 with a stop codon.
Molecular consequence: nonsense.
Genome position (GRCh38, 1-based): chr9:72,830,652, C>T. VCF-style: chr9-72830652-C-T. GRCh37 (hg19) VCF-style: chr9-75445568-C-T.
Other names: p.Arg744*; short protein forms R744*.
Identifiers: ClinVar variation 178546 (VCV000178546.23), dbSNP rs150738413, ClinGen allele CA182534.
Genomic context (GRCh38, chr9:72,830,652, plus strand): 5'-GAGAAATCTACTTTTTTCCCCTTATTTTTTATTGTGTAGCAAGCTTTGGAGAACAAAATG[C>T]GAAACAAGAAAATGGCAGCTGCACGAGCAGGTTGGAGATACGTTTATGTTTGTAATGTTT-3'